The following is an entry in ClinVar:

NM_030665.4(RAI1):c.2709G>C (p.Glu903Asp)

Gene: RAI1 (retinoic acid induced 1; plus strand). Cytogenetic location: 17p11.2.
Variant type: single nucleotide variant.
Coding change: c.2709G>C on transcript NM_030665.4 (MANE Select); coding-DNA position 2709, G replaced by C.
Protein change: p.Glu903Asp; replaces glutamic acid 903 with aspartic acid.
Molecular consequence: missense variant.
Genome position (GRCh38, 1-based): chr17:17,795,657, G>C. VCF-style: chr17-17795657-G-C. GRCh37 (hg19) VCF-style: chr17-17698971-G-C.
Other names: c.2709G>C (NM_030665.3); short protein forms E903D.
Identifiers: ClinVar variation 870998 (VCV000870998.47), dbSNP rs752676204, ClinGen allele CA8418590.

ClinVar aggregate classification (germline): Conflicting classifications of pathogenicity. Review status: criteria provided, conflicting classifications (1 of 4 stars). 4 submissions from 4 submitters: Uncertain significance (1); Benign (1); Likely benign (1). 1 of the submissions does not count toward it. Last evaluated 2024-10-04.

Conditions:
RAI1-related disorder. Also called: RAI1-related condition.
Inborn genetic diseases. Identifiers: MedGen C0950123, MeSH D030342.

Allele frequency attached by ClinVar (database versions not stated): ExAC 0.00001; gnomAD exomes 0.00001; TOPMed 0.00002.
gnomAD v4.1: 10 of 1,612,810 alleles (0.00062%); highest among the groups gnomAD compares: South Asian, 0.0011%; no homozygotes.

Submissions (4):

Ambry Genetics
Classification: Likely benign for Inborn genetic diseases. Last evaluated: 2024-10-04. Review status: criteria provided, single submitter. Criteria: Ambry Variant Classification Scheme 2023. Collection method: clinical testing. Allele origin: germline.

Labcorp Genetics (formerly Invitae), Labcorp
Classification: Benign. Last evaluated: 2023-02-22. Review status: criteria provided, single submitter. Criteria: Invitae Variant Classification Sherloc (09022015). Collection method: clinical testing. Allele origin: germline.

CeGaT Center for Human Genetics Tuebingen
Classification: Uncertain significance. Last evaluated: 2019-10-01. Review status: criteria provided, single submitter. Criteria: CeGaT Center For Human Genetics Tuebingen Variant Classification Criteria Version 2. Collection method: clinical testing. Allele origin: germline. Affected: yes. Observed: 2 variant alleles.

PreventionGenetics, part of Exact Sciences
Classification: Uncertain significance for RAI1-related condition. Last evaluated: 2024-08-05. Review status: no assertion criteria provided. Collection method: clinical testing. Allele origin: germline. Not counted in ClinVar's aggregate classification.
Comment: The RAI1 c.2709G>C variant is predicted to result in the amino acid substitution p.Glu903Asp. To our knowledge, this variant has not been reported in the literature. This variant is reported in 0.0018% of alleles in individuals of European (Non-Finnish) descent in gnomAD. At this time, the clinical significance of this variant is uncertain due to the absence of conclusive functional and genetic evidence.